The following is an entry in ClinVar:

NM_004360.5(CDH1):c.1895A>G (p.His632Arg)

Gene: CDH1 (cadherin 1; plus strand). Cytogenetic location: 16q22.1.
Variant type: single nucleotide variant.
Coding change: c.1895A>G on transcript NM_004360.5 (MANE Select); coding-DNA position 1895, A replaced by G.
Protein change: p.His632Arg; replaces histidine 632 with arginine.
Molecular consequence: missense variant. On other transcripts: 5 prime UTR variant (1).
Genome position (GRCh38, 1-based): chr16:68,822,184, A>G. VCF-style: chr16-68822184-A-G. GRCh37 (hg19) VCF-style: chr16-68856087-A-G.
Other names: c.1712A>G, p.His571Arg (NM_001317184.2); c.347A>G, p.His116Arg (NM_001317185.2); c.-71A>G (NM_001317186.2); c.1895A>G (NM_004360.3); short protein forms H632R, H571R, H116R.
Identifiers: ClinVar variation 439041 (VCV000439041.12), dbSNP rs1555516892, ClinGen allele CA396467165.
Genomic context (GRCh38, chr16:68,822,184, plus strand): 5'-TAAACATCATTGATGCAGACCTTCCTCCCAATACATCTCCCTTCACAGCAGAACTAACAC[A>G]CGGGGCGAGTGCCAACTGGACCATTCAGTACAACGACCCAAGTGGGTACCTGAGTTTTAT-3'
Protein context (NP_004351.1, residues 622-642): NTSPFTAELT[His632Arg]GASANWTIQY

ClinVar aggregate classification (germline): Conflicting classifications of pathogenicity. Review status: criteria provided, conflicting classifications (1 of 4 stars). 3 submissions from 3 submitters: Uncertain significance (2); Likely benign (1). Last evaluated 2025-05-07.

Conditions:
Hereditary diffuse gastric adenocarcinoma (HDGC). Also called: DIFFUSE GASTRIC AND LOBULAR BREAST CANCER SYNDROME. Identifiers: Orphanet 26106, MedGen C1708349, MONDO:0007648, OMIM 137215.
Hereditary cancer-predisposing syndrome. Also called: Hereditary Cancer Syndrome; Hereditary neoplastic syndrome; Tumor predisposition; Neoplastic Syndromes, Hereditary. Identifiers: Orphanet 140162, MedGen C0027672, MeSH D009386, MONDO:0015356.

Submissions (3):

Ambry Genetics
Classification: Likely benign for Hereditary cancer-predisposing syndrome. Last evaluated: 2025-05-07. Review status: criteria provided, single submitter. Criteria: Ambry Variant Classification Scheme 2023. Collection method: clinical testing. Allele origin: germline.

Labcorp Genetics (formerly Invitae), Labcorp
Classification: Uncertain significance for Hereditary diffuse gastric adenocarcinoma. Last evaluated: 2024-05-26. Review status: criteria provided, single submitter. Criteria: Invitae Variant Classification Sherloc (09022015). Collection method: clinical testing. Allele origin: germline.
Comment: This sequence change replaces histidine, which is basic and polar, with arginine, which is basic and polar, at codon 632 of the CDH1 protein (p.His632Arg). This variant is not present in population databases (gnomAD no frequency). This variant has not been reported in the literature in individuals affected with CDH1-related conditions. ClinVar contains an entry for this variant (Variation ID: 439041). An algorithm developed to predict the effect of missense changes on protein structure and function (PolyPhen-2) suggests that this variant is likely to be tolerated. In summary, the available evidence is currently insufficient to determine the role of this variant in disease. Therefore, it has been classified as a Variant of Uncertain Significance.

Quest Diagnostics Nichols Institute San Juan Capistrano
Classification: Uncertain significance. Last evaluated: 2017-02-16. Review status: criteria provided, single submitter. Criteria: Quest Diagnostics criteria. Collection method: clinical testing. Allele origin: germline.